The following is an entry in ClinVar:

ClinVar aggregate classification (germline): Uncertain significance (1 of 4 stars; one submission).

Submission:

Labcorp Genetics (formerly Invitae), Labcorp
Classification: Uncertain significance. Last evaluated: 2024-12-22. Review status: criteria provided, single submitter. Criteria: Invitae Variant Classification Sherloc (09022015). Collection method: clinical testing. Allele origin: germline.
Comment: This sequence change replaces serine, which is neutral and polar, with tyrosine, which is neutral and polar, at codon 621 of the LZTR1 protein (p.Ser621Tyr). This variant is not present in population databases (gnomAD no frequency). This variant has not been reported in the literature in individuals affected with LZTR1-related conditions. Invitae Evidence Modeling of protein sequence and biophysical properties (such as structural, functional, and spatial information, amino acid conservation, physicochemical variation, residue mobility, and thermodynamic stability) indicates that this missense variant is not expected to disrupt LZTR1 protein function with a negative predictive value of 80%. In summary, the available evidence is currently insufficient to determine the role of this variant in disease. Therefore, it has been classified as a Variant of Uncertain Significance.

NM_006767.4(LZTR1):c.1862C>A (p.Ser621Tyr)

Gene: LZTR1 (leucine zipper like post translational regulator 1; plus strand). Cytogenetic location: 22q11.21.
Variant type: single nucleotide variant.
Coding change: c.1862C>A on transcript NM_006767.4 (MANE Select); coding-DNA position 1862, C replaced by A.
Protein change: p.Ser621Tyr; replaces serine 621 with tyrosine.
Molecular consequence: missense variant.
Genome position (GRCh38, 1-based): chr22:20,994,946, C>A. VCF-style: chr22-20994946-C-A. GRCh37 (hg19) VCF-style: chr22-21349235-C-A.
Other names: short protein forms S621Y.
Identifiers: ClinVar variation 3708363 (VCV003708363.2).